The following is an entry in ClinVar:

NM_203447.4(DOCK8):c.2874+130C>T

Gene: DOCK8 (dedicator of cytokinesis 8; plus strand). Cytogenetic location: 9p24.3.
Variant type: single nucleotide variant.
Coding change: c.2874+130C>T on transcript NM_203447.4 (MANE Select); 130 bases into the intron after coding-DNA position 2874, C replaced by T.
Molecular consequence: intron variant.
Genome position (GRCh38, 1-based): chr9:386,556, C>T. VCF-style: chr9-386556-C-T. GRCh37 (hg19) VCF-style: chr9-386556-C-T.
Other names: c.2670+130C>T (NM_001193536.2); c.2574+3871C>T (NM_001190458.2).
Identifiers: ClinVar variation 675223 (VCV000675223.2), dbSNP rs7862253, ClinGen allele CA187823878.
Genomic context (GRCh38, chr9:386,556, plus strand): 5'-GTGCTTGGGAATAGTCAAAGTGCTCCCCTGCCTGTCCCTGATGTGCTAACACACACACAC[C>T]CCACACACACTTTTGCAGCCCTGTCCTTTACGCCACATTTGACCACCTAATTGCCCATTA-3'

ClinVar aggregate classification (germline): Benign. Review status: criteria provided, multiple submitters, no conflicts (2 of 4 stars). 2 submissions from 2 submitters: Benign (2). Last evaluated 2018-06-16.

Allele frequency attached by ClinVar (database versions not stated): gnomAD 0.07933; TOPMed 0.09361; 1000 Genomes Project 0.09425; 1000 Genomes Project 30x 0.10072.
gnomAD v4.1: 18,711 of 757,432 alleles (2.5%); highest among the groups gnomAD compares: African/African-American, 28%; 2,388 homozygotes.

Submissions (2):

GeneDx
Classification: Benign. Last evaluated: 2018-06-16. Review status: criteria provided, single submitter. Criteria: GeneDx Variant Classification (06012015). Collection method: clinical testing. Allele origin: germline. Affected: yes.
Comment: This variant is considered likely benign or benign based on one or more of the following criteria: it is a conservative change, it occurs at a poorly conserved position in the protein, it is predicted to be benign by multiple in silico algorithms, and/or has population frequency not consistent with disease.

Breakthrough Genomics
Classification: Benign. Review status: criteria provided, single submitter. Criteria: ACMG Guidelines, 2015. Collection method: not provided. Allele origin: germline. Inheritance: Autosomal recessive inheritance. Affected: yes.